The following is an entry in ClinVar:

NM_020699.4(GATAD2B):c.1558C>T (p.Arg520Cys)

Gene: GATAD2B (GATA zinc finger domain containing 2B; minus strand). Cytogenetic location: 1q21.3.
Variant type: single nucleotide variant.
Coding change: c.1558C>T on transcript NM_020699.4 (MANE Select); coding-DNA position 1558, C replaced by T.
Protein change: p.Arg520Cys; replaces arginine 520 with cysteine.
Molecular consequence: missense variant.
Genome position (GRCh38, 1-based): chr1:153,811,821, G>A on the plus strand (C>T on the coding strand, the complement: GATAD2B is on the minus strand). VCF-style: chr1-153811821-G-A. GRCh37 (hg19) VCF-style: chr1-153784297-G-A.
Other names: short protein forms R520C.
Identifiers: ClinVar variation 2991758 (VCV002991758.3), dbSNP rs766442642, ClinGen allele CA1120599.
Genomic context (GRCh38, chr1:153,811,821, plus strand): 5'-ACAACTGGGGTGCCTGTGCAAAGTTTGAAAGCATGGAGCGGGCAGATGTGGGTATGCCAC[G>A]CTGGAGGCTGCTCTGGGGCTGTGGAGCCTGCAATGATGAGGAGACAGTGGATACAACTTT-3'
Protein context (NP_065750.1, residues 510-530): QAPQPQSSLQ[Arg520Cys]GIPTSARSML

ClinVar aggregate classification (germline): Uncertain significance (1 of 4 stars; one submission).

Allele frequency attached by ClinVar (database versions not stated): gnomAD exomes below 0.00001; TOPMed below 0.00001; ExAC 0.00001; gnomAD 0.00001.

Submission:

Labcorp Genetics (formerly Invitae), Labcorp
Classification: Uncertain significance. Last evaluated: 2023-06-18. Review status: criteria provided, single submitter. Criteria: Invitae Variant Classification Sherloc (09022015). Collection method: clinical testing. Allele origin: germline.
Comment: The frequency data for this variant in the population databases is considered unreliable, as metrics indicate poor data quality at this position in the gnomAD database. In summary, the available evidence is currently insufficient to determine the role of this variant in disease. Therefore, it has been classified as a Variant of Uncertain Significance. Advanced modeling of protein sequence and biophysical properties (such as structural, functional, and spatial information, amino acid conservation, physicochemical variation, residue mobility, and thermodynamic stability) performed at Invitae indicates that this missense variant is expected to disrupt GATAD2B protein function. This missense change has been observed in individual(s) with clinical features of GATAD2B-related condition (PMID: 33004838). This sequence change replaces arginine, which is basic and polar, with cysteine, which is neutral and slightly polar, at codon 520 of the GATAD2B protein (p.Arg520Cys).

Literature cited by the submitters: PubMed 33004838.